The following is an entry in ClinVar:

ClinVar aggregate classification (germline): Likely benign. Review status: criteria provided, multiple submitters, no conflicts (2 of 4 stars). 5 submissions from 5 submitters: Likely benign (4). 1 of the submissions does not count toward it. Last evaluated 2026-01-28.

Conditions:
CEP290-related disorder. Also called: CEP290-related condition; CEP290-related disorders. Identifiers: MedGen CN239314.
Meckel-Gruber syndrome. Also called: DYSENCEPHALIA SPLANCHNOCYSTICA; GRUBER SYNDROME; Dysencephalia splachnocystica. Identifiers: Orphanet 564, MedGen C0265215, MONDO:0018921.
Joubert syndrome. Also called: Familial aplasia of the vermis; JOUBERT-BOLTSHAUSER SYNDROME. Identifiers: Orphanet 475, MedGen C5979921, MONDO:0018772.
Nephronophthisis. Also called: Juvenile Nephronophthisis. Identifiers: Orphanet 655, MedGen C0687120, MONDO:0019005, HP:0000090.
Senior-Loken syndrome 6 (SLSN6). Identifiers: Orphanet 3156, MedGen C1857779, MONDO:0012433, OMIM 610189.
Meckel syndrome, type 4 (MKS4). Also called: MECKEL-GRUBER SYNDROME, TYPE 4. Identifiers: Orphanet 564, MedGen C1970161, MONDO:0012626, OMIM 611134.
Bardet-Biedl syndrome 14 (BBS14). Identifiers: Orphanet 110, MedGen C2673874, MONDO:0014442, OMIM 615991.
Leber congenital amaurosis 10 (LCA10). Identifiers: Orphanet 65, MedGen C1857821, MONDO:0012723, OMIM 611755.
Joubert syndrome 5 (JBTS5). Identifiers: Orphanet 2318, MedGen C1857780, MONDO:0012432, OMIM 610188.

Allele frequency attached by ClinVar (database versions not stated): gnomAD 0.00005; TOPMed 0.00005; gnomAD exomes 0.00006 and 0.00009; ExAC 0.00015; ESP Exome Variant Server 0.00017.

Submissions (5):

Labcorp Genetics (formerly Invitae), Labcorp
Classification: Likely benign for Joubert syndrome; Meckel-Gruber syndrome; Nephronophthisis. Last evaluated: 2026-01-28. Review status: criteria provided, single submitter. Criteria: Invitae Variant Classification Sherloc (09022015). Collection method: clinical testing. Allele origin: germline.

Blueprint Genetics
Classification: Likely benign. Last evaluated: 2024-11-21. Review status: criteria provided, single submitter. Criteria: ACMG Guidelines, 2015. Collection method: clinical testing. Allele origin: germline.

Fulgent Genetics
Classification: Likely benign for Joubert syndrome 5; Senior-Loken syndrome 6; Meckel syndrome, type 4; Leber congenital amaurosis 10; Bardet-Biedl syndrome 14. Last evaluated: 2022-05-25. Review status: criteria provided, single submitter. Criteria: ACMG Guidelines, 2015. Collection method: clinical testing. Allele origin: unknown.

GeneDx
Classification: Likely benign. Last evaluated: 2015-11-28. Review status: criteria provided, single submitter. Criteria: GeneDx Variant Classification (06012015). Collection method: clinical testing. Allele origin: germline. Affected: yes.
Comment: This variant is considered likely benign or benign based on one or more of the following criteria: it is a conservative change, it occurs at a poorly conserved position in the protein, it is predicted to be benign by multiple in silico algorithms, and/or has population frequency not consistent with disease.

PreventionGenetics, part of Exact Sciences
Classification: Likely benign for CEP290-related condition. Last evaluated: 2022-06-08. Review status: no assertion criteria provided. Collection method: clinical testing. Allele origin: germline. Not counted in ClinVar's aggregate classification.
Comment: This variant is classified as likely benign based on ACMG/AMP sequence variant interpretation guidelines (Richards et al. 2015 PMID: 25741868, with internal and published modifications).

NM_025114.4(CEP290):c.6358-4G>A

Gene: CEP290 (centrosomal protein 290; minus strand). Cytogenetic location: 12q21.32.
Variant type: single nucleotide variant.
Coding change: c.6358-4G>A on transcript NM_025114.4 (MANE Select); 4 bases into the intron before coding-DNA position 6358, G replaced by A.
Molecular consequence: intron variant.
Genome position (GRCh38, 1-based): chr12:88,060,998, C>T on the plus strand (G>A on the coding strand, the complement: CEP290 is on the minus strand). VCF-style: chr12-88060998-C-T. GRCh37 (hg19) VCF-style: chr12-88454775-C-T.
Identifiers: ClinVar variation 381161 (VCV000381161.15), dbSNP rs369154492, ClinGen allele CA6711507.